The following is an entry in ClinVar:

ClinVar aggregate classification (germline): Uncertain significance (1 of 4 stars; one submission).

Conditions:
Baller-Gerold syndrome (BGS). Also called: CRANIOSYNOSTOSIS WITH RADIAL DEFECTS. Identifiers: Orphanet 1225, MedGen C0265308, MONDO:0009039, OMIM 218600.

Submission:

Labcorp Genetics (formerly Invitae), Labcorp
Classification: Uncertain significance for Baller-Gerold syndrome. Last evaluated: 2018-12-24. Review status: criteria provided, single submitter. Criteria: Invitae Variant Classification Sherloc (09022015). Collection method: clinical testing. Allele origin: germline.
Comment: In summary, the available evidence is currently insufficient to determine the role of this variant in disease. Therefore, it has been classified as a Variant of Uncertain Significance. Algorithms developed to predict the effect of missense changes on protein structure and function (SIFT, PolyPhen-2, Align-GVGD) all suggest that this variant is likely to be tolerated, but these predictions have not been confirmed by published functional studies and their clinical significance is uncertain. This variant has not been reported in the literature in individuals with RECQL4-related conditions. This variant is not present in population databases (ExAC no frequency). This sequence change replaces aspartic acid with glutamic acid at codon 424 of the RECQL4 protein (p.Asp424Glu). The aspartic acid residue is moderately conserved and there is a small physicochemical difference between aspartic acid and glutamic acid.

NM_004260.4(RECQL4):c.1272C>G (p.Asp424Glu)

Gene: RECQL4 (RecQ like helicase 4; minus strand). Cytogenetic location: 8q24.3.
Variant type: single nucleotide variant.
Coding change: c.1272C>G on transcript NM_004260.4 (MANE Select); coding-DNA position 1272, C replaced by G.
Protein change: p.Asp424Glu; replaces aspartic acid 424 with glutamic acid.
Molecular consequence: missense variant.
Genome position (GRCh38, 1-based): chr8:144,515,444, G>C on the plus strand (C>G on the coding strand, the complement: RECQL4 is on the minus strand). VCF-style: chr8-144515444-G-C. GRCh37 (hg19) VCF-style: chr8-145740828-G-C.
Other names: short protein forms D424E.
Identifiers: ClinVar variation 663755 (VCV000663755.4), dbSNP rs1586817672, ClinGen allele CA372685996.